The following is an entry in ClinVar:

NM_001370466.1(NOD2):c.2337C>G (p.Gly779=)

Gene: NOD2 (nucleotide binding oligomerization domain containing 2; plus strand). Cytogenetic location: 16q12.1.
Variant type: single nucleotide variant.
Coding change: c.2337C>G on transcript NM_001370466.1 (MANE Select); coding-DNA position 2337, C replaced by G.
Protein change: p.Gly779=; no amino-acid change (glycine 779 retained).
Molecular consequence: synonymous variant. On other transcripts: non-coding transcript variant (1).
Genome position (GRCh38, 1-based): chr16:50,712,329, C>G. VCF-style: chr16-50712329-C-G. GRCh37 (hg19) VCF-style: chr16-50746240-C-G.
Other names: c.2418C>G (LRG_177t1); c.2337C>G, p.Gly779= (NM_001293557.2); c.2418C>G, p.Gly806= (NM_022162.3).
Identifiers: ClinVar variation 103120 (VCV000103120.10), dbSNP rs199475916, ClinGen allele CA230149.

ClinVar aggregate classification (germline): Likely benign. Review status: criteria provided, single submitter (1 of 4 stars). 2 submissions from 2 submitters: Likely benign (1). 1 of the submissions does not count toward it. Last evaluated 2021-02-03.

Conditions:
Regional enteritis. Also called: Enteritis, Granulomatous. Identifiers: MedGen C0678202, MeSH D003424.
Blau syndrome (BLAUS). Also called: ARTHROCUTANEOUVEAL GRANULOMATOSIS; GRANULOMATOSIS, FAMILIAL JUVENILE SYSTEMIC; GRANULOMATOSIS, FAMILIAL, BLAU TYPE; GRANULOMATOUS INFLAMMATORY ARTHRITIS, DERMATITIS, AND UVEITIS, FAMILIAL; JABS SYNDROME. Identifiers: Orphanet 90340, MedGen C5201146, MONDO:0008523, OMIM 186580.

Allele frequency attached by ClinVar (database versions not stated): gnomAD 0.00002 and 0.00005; TOPMed 0.00006; 1000 Genomes Project 30x 0.00016; 1000 Genomes Project 0.00020.
gnomAD v4.1: 31 of 1,613,968 alleles (0.0019%); highest among the groups gnomAD compares: East Asian, 0.06%; no homozygotes.

Submissions (2):

Labcorp Genetics (formerly Invitae), Labcorp
Classification: Likely benign for Regional enteritis; Blau syndrome. Last evaluated: 2021-02-03. Review status: criteria provided, single submitter. Criteria: Invitae Variant Classification Sherloc (09022015). Collection method: clinical testing. Allele origin: germline.

Human Evolutionary Genetics, Institut Pasteur
No classification provided. Review status: no classification provided. Collection method: not provided. Allele origin: germline. Not counted in ClinVar's aggregate classification.
ClinVar note: Converted during submission from untested to not provided.